The following is an entry in ClinVar:

ClinVar aggregate classification (germline): Benign/Likely benign. Review status: criteria provided, multiple submitters, no conflicts (2 of 4 stars). 3 submissions from 3 submitters: Benign (2); Likely benign (1). Last evaluated 2025-12-21.

Conditions:
Nail-patella syndrome (NPS). Also called: FONG DISEASE; ONYCHOOSTEODYSPLASIA; TURNER-KIESER SYNDROME. Identifiers: Orphanet 2614, MedGen C0027341, MONDO:0008061, OMIM 161200.
Inborn genetic diseases. Identifiers: MedGen C0950123, MeSH D030342.

Allele frequency attached by ClinVar (database versions not stated): TOPMed 0.00004.
gnomAD v4.1: 136 of 1,608,908 alleles (0.0085%); highest among the groups gnomAD compares: South Asian, 0.12%; 1 homozygote.

Submissions (3):

Labcorp Genetics (formerly Invitae), Labcorp
Classification: Likely benign. Last evaluated: 2025-12-21. Review status: criteria provided, single submitter. Criteria: Invitae Variant Classification Sherloc (09022015). Collection method: clinical testing. Allele origin: germline.

Ambry Genetics
Classification: Benign for Inborn genetic diseases. Last evaluated: 2025-06-26. Review status: criteria provided, single submitter. Criteria: Ambry Variant Classification Scheme 2023. Collection method: clinical testing. Allele origin: germline.

Illumina Laboratory Services, Illumina
Classification: Benign for Nail-patella syndrome. Last evaluated: 2018-01-13. Review status: criteria provided, single submitter. Criteria: ICSL Variant Classification Criteria 13 December 2019. Collection method: clinical testing. Allele origin: germline.
Comment: This variant was observed in the ICSL laboratory as part of a predisposition screen in an ostensibly healthy population. It had not been previously curated by ICSL or reported in the Human Gene Mutation Database (HGMD: prior to June 1st, 2018), and was therefore a candidate for classification through an automated scoring system. Utilizing variant allele frequency, disease prevalence and penetrance estimates, and inheritance mode, an automated score was calculated to assess if this variant is too frequent to cause the disease. Based on the score and internal cut-off values, a variant classified as benign is not then subjected to further curation. The score for this variant resulted in a classification of benign for this disease.

NM_001174147.2(LMX1B):c.628G>A (p.Gly210Arg)

Gene: LMX1B (LIM homeobox transcription factor 1 beta; plus strand). Cytogenetic location: 9q33.3.
Variant type: single nucleotide variant.
Coding change: c.628G>A on transcript NM_001174147.2 (MANE Select); coding-DNA position 628, G replaced by A.
Protein change: p.Gly210Arg; replaces glycine 210 with arginine.
Molecular consequence: missense variant.
Genome position (GRCh38, 1-based): chr9:126,693,210, G>A. VCF-style: chr9-126693210-G-A. GRCh37 (hg19) VCF-style: chr9-129455489-G-A.
Other names: c.628G>A, p.Gly210Arg (NM_002316.4, NM_001174146.2); short protein forms G210R.
Identifiers: ClinVar variation 364880 (VCV000364880.14), dbSNP rs754095270, ClinGen allele CA5242375.
Genomic context (GRCh38, chr9:126,693,210, plus strand): 5'-GAGGATGAAGATGGGGACATGAAGCCGGCCAAGGGGCAGGGCAGTCAGAGCAAGGGCAGC[G>A]GGGATGACGGGAAGGACCCGCGGAGGCCCAAGCGACCCCGGACCATCCTCACCACGCAGC-3'
Protein context (NP_001167618.1, residues 200-220): KGQGSQSKGS[Gly210Arg]DDGKDPRRPK